The following is an entry in ClinVar:

ClinVar aggregate classification (germline): Uncertain significance (1 of 4 stars; one submission).

Allele frequency attached by ClinVar (database versions not stated): gnomAD 0.00001; TOPMed 0.00002; gnomAD exomes 0.00006.

Submission:

Labcorp Genetics (formerly Invitae), Labcorp
Classification: Uncertain significance. Last evaluated: 2025-05-17. Review status: criteria provided, single submitter. Criteria: Invitae Variant Classification Sherloc (09022015). Collection method: clinical testing. Allele origin: germline.
Comment: This sequence change replaces glutamine, which is neutral and polar, with glutamic acid, which is acidic and polar, at codon 111 of the FOXI3 protein (p.Gln111Glu). This variant is not present in population databases (gnomAD no frequency). This variant has not been reported in the literature in individuals affected with FOXI3-related conditions. ClinVar contains an entry for this variant (Variation ID: 2904328). Experimental studies and prediction algorithms are not available or were not evaluated, and the functional significance of this variant is currently unknown. In summary, the available evidence is currently insufficient to determine the role of this variant in disease. Therefore, it has been classified as a Variant of Uncertain Significance.

NM_001135649.3(FOXI3):c.331C>G (p.Gln111Glu)

Gene: FOXI3 (forkhead box I3; minus strand). Cytogenetic location: 2p11.2.
Variant type: single nucleotide variant.
Coding change: c.331C>G on transcript NM_001135649.3 (MANE Select); coding-DNA position 331, C replaced by G.
Protein change: p.Gln111Glu; replaces glutamine 111 with glutamic acid.
Molecular consequence: missense variant.
Genome position (GRCh38, 1-based): chr2:88,452,205, G>C on the plus strand (C>G on the coding strand, the complement: FOXI3 is on the minus strand). VCF-style: chr2-88452205-G-C. GRCh37 (hg19) VCF-style: chr2-88751724-G-C.
Other names: short protein forms Q111E.
Identifiers: ClinVar variation 2904328 (VCV002904328.3), dbSNP rs1328622713, ClinGen allele CA347766578.